The following is an entry in ClinVar:

NM_004360.5(CDH1):c.2340T>C (p.Pro780=)

Gene: CDH1 (cadherin 1; plus strand). Cytogenetic location: 16q22.1.
Variant type: single nucleotide variant.
Coding change: c.2340T>C on transcript NM_004360.5 (MANE Select); coding-DNA position 2340, T replaced by C.
Protein change: p.Pro780=; no amino-acid change (proline 780 retained).
Molecular consequence: synonymous variant.
Genome position (GRCh38, 1-based): chr16:68,829,698, T>C. VCF-style: chr16-68829698-T-C. GRCh37 (hg19) VCF-style: chr16-68863601-T-C.
Other names: c.2157T>C, p.Pro719= (NM_001317184.2); c.792T>C, p.Pro264= (NM_001317185.2); c.375T>C, p.Pro125= (NM_001317186.2).
Identifiers: ClinVar variation 2918553 (VCV002918553.4), dbSNP rs2152142296, ClinGen allele CA496157397.

ClinVar aggregate classification (germline): Benign/Likely benign. Review status: criteria provided, multiple submitters, no conflicts (2 of 4 stars). 2 submissions from 2 submitters: Benign (1); Likely benign (1). Last evaluated 2024-09-23.

Conditions:
Hereditary diffuse gastric adenocarcinoma (HDGC). Also called: DIFFUSE GASTRIC AND LOBULAR BREAST CANCER SYNDROME. Identifiers: Orphanet 26106, MedGen C1708349, MONDO:0007648, OMIM 137215.

Submissions (2):

Myriad Genetics, Inc.
Classification: Benign for Hereditary diffuse gastric adenocarcinoma. Last evaluated: 2024-09-23. Review status: criteria provided, single submitter. Criteria: Myriad Autosomal Dominant, Autosomal Recessive and X-Linked Classification Criteria (2023). Collection method: clinical testing. Allele origin: unknown.
Comment: This variant is considered benign. This variant is a silent/synonymous amino acid change and it is not expected to impact splicing.

Labcorp Genetics (formerly Invitae), Labcorp
Classification: Likely benign for Hereditary diffuse gastric adenocarcinoma. Last evaluated: 2023-05-26. Review status: criteria provided, single submitter. Criteria: Invitae Variant Classification Sherloc (09022015). Collection method: clinical testing. Allele origin: germline.